The following is an entry in ClinVar:

NM_000337.6(SGCD):c.659C>T (p.Thr220Ile)

Gene: SGCD (sarcoglycan delta; plus strand). Cytogenetic location: 5q33.3.
Variant type: single nucleotide variant.
Coding change: c.659C>T on transcript NM_000337.6 (MANE Select); coding-DNA position 659, C replaced by T.
Protein change: p.Thr220Ile; replaces threonine 220 with isoleucine.
Molecular consequence: missense variant.
Genome position (GRCh38, 1-based): chr5:156,757,664, C>T. VCF-style: chr5-156757664-C-T. GRCh37 (hg19) VCF-style: chr5-156184675-C-T.
Other names: c.656C>T, p.Thr219Ile (NM_001128209.2); c.659C>T, p.Thr220Ile (NM_172244.3); short protein forms T220I, T219I.
Identifiers: ClinVar variation 565683 (VCV000565683.6), dbSNP rs1471128348, ClinGen allele CA362008595.
Genomic context (GRCh38, chr5:156,757,664, plus strand): 5'-TAGTGATGGAGGCCCCAAAAGGAGTGGAAATCAATGCAGAAGCTGGCAATATGGAAGCCA[C>T]CTGCAGGACAGAGCTGAGACTGGAATCCAAAGATGGAGAGGTGAGGGATGAGAAGGACAG-3'
Protein context (NP_000328.2, residues 210-230): INAEAGNMEA[Thr220Ile]CRTELRLESK

ClinVar aggregate classification (germline): Uncertain significance. Review status: criteria provided, multiple submitters, no conflicts (2 of 4 stars). 2 submissions from 2 submitters: Uncertain significance (2). Last evaluated 2022-11-03.

Conditions:
Autosomal recessive limb-girdle muscular dystrophy type 2F (LGMDR6). Also called: MUSCULAR DYSTROPHY, LIMB-GIRDLE, AUTOSOMAL RECESSIVE 6; Muscular dystrophy limb-girdle with delta-sarcoglyan deficiency. Identifiers: Orphanet 219, MedGen C1832525, MONDO:0011028, OMIM 601287. Disease mechanism: Affects gamma-sarcoglycan and also disrupts the integrity of the entire sarcoglycan complex..

Allele frequency attached by ClinVar (database versions not stated): gnomAD 0.00001; TOPMed 0.00001.
gnomAD v4.1: 25 of 1,609,222 alleles (0.0016%); highest among the groups gnomAD compares: East Asian, 0.049%; no homozygotes.

Submissions (2):

Baylor Genetics
Classification: Uncertain significance for Autosomal recessive limb-girdle muscular dystrophy type 2F. Last evaluated: 2022-11-03. Review status: criteria provided, single submitter. Criteria: ACMG Guidelines, 2015. Collection method: clinical testing. Allele origin: unknown.

Labcorp Genetics (formerly Invitae), Labcorp
Classification: Uncertain significance for Autosomal recessive limb-girdle muscular dystrophy type 2F. Last evaluated: 2021-08-28. Review status: criteria provided, single submitter. Criteria: Invitae Variant Classification Sherloc (09022015). Collection method: clinical testing. Allele origin: germline.
Comment: This sequence change replaces threonine with isoleucine at codon 220 of the SGCD protein (p.Thr220Ile). The threonine residue is moderately conserved and there is a moderate physicochemical difference between threonine and isoleucine. This variant is not present in population databases (ExAC no frequency). This variant has not been reported in the literature in individuals affected with SGCD-related conditions. Algorithms developed to predict the effect of missense changes on protein structure and function output the following: SIFT: "Tolerated"; PolyPhen-2: "Benign"; Align-GVGD: "Class C0". The isoleucine amino acid residue is found in multiple mammalian species, which suggests that this missense change does not adversely affect protein function. In summary, the available evidence is currently insufficient to determine the role of this variant in disease. Therefore, it has been classified as a Variant of Uncertain Significance.